The following is an entry in ClinVar:

NM_001349798.2(FBXW7):c.502-2431G>A

Gene: FBXW7 (F-box and WD repeat domain containing 7; minus strand). Cytogenetic location: 4q31.3.
Variant type: single nucleotide variant.
Coding change: c.502-2431G>A on transcript NM_001349798.2 (MANE Select); 2431 bases into the intron before coding-DNA position 502, G replaced by A.
Molecular consequence: intron variant. On other transcripts: missense variant (1).
Genome position (GRCh38, 1-based): chr4:152,352,555, C>T on the plus strand (G>A on the coding strand, the complement: FBXW7 is on the minus strand). VCF-style: chr4-152352555-C-T. GRCh37 (hg19) VCF-style: chr4-153273707-C-T.
Other names: c.176G>A, p.Arg59Gln (NM_018315.5); c.148-2431G>A (NM_001013415.2); c.502-2431G>A (NM_033632.3); short protein forms R59Q.
Identifiers: ClinVar variation 3047405 (VCV003047405.2), dbSNP rs141092634, ClinGen allele CA3106415.

ClinVar aggregate classification (germline): Likely benign (0 of 4 stars; one submission).

Conditions:
FBXW7-related disorder. Also called: FBXW7-related disorders; FBXW7-related condition.

Allele frequency attached by ClinVar (database versions not stated): gnomAD exomes 0.00014; ExAC 0.00052; 1000 Genomes Project 30x 0.00062; 1000 Genomes Project 0.00080; gnomAD 0.00146; TOPMed 0.00175; ESP Exome Variant Server 0.00192.
gnomAD v4.1: 427 of 1,613,798 alleles (0.026%); highest among the groups gnomAD compares: African/African-American, 0.5%; no homozygotes.

Submission:

PreventionGenetics, part of Exact Sciences
Classification: Likely benign for FBXW7-related condition. Last evaluated: 2022-05-10. Review status: no assertion criteria provided. Collection method: clinical testing. Allele origin: germline.
Comment: This variant is classified as likely benign based on ACMG/AMP sequence variant interpretation guidelines (Richards et al. 2015 PMID: 25741868, with internal and published modifications).